The following is an entry in ClinVar:

ClinVar aggregate classification (germline): Conflicting classifications of pathogenicity. Review status: criteria provided, conflicting classifications (1 of 4 stars). 6 submissions from 6 submitters: Uncertain significance (5); Likely benign (1). Last evaluated 2025-11-18.

Conditions:
Hyperkalemic periodic paralysis. Also called: Familial hyperkalemic periodic paralysis; Gamstorp disease. Identifiers: Orphanet 682, MedGen C0238357, MONDO:0008224, OMIM 170500, HP:0007215.
Congenital myasthenic syndrome 16. Identifiers: Orphanet 590, MedGen C3280112, MONDO:0013620, OMIM 614198.
Paramyotonia congenita of Von Eulenburg. Also called: Myotonia congenita intermittens; Von Eulenburg paramyotonia congenita; Paramyotonia Congenita; PARALYSIS PERIODICA PARAMYOTONICA; Eulenburg disease. Identifiers: Orphanet 684, MedGen C0221055, MONDO:0008195, OMIM 168300. Disease mechanism: loss of function.
Congenital myopathy 22A, classic (CMYO22A). Identifiers: MedGen C5830453, MONDO:0957247, OMIM 620351.
Congenital myopathy 22B, severe fetal (CMYO22B). Identifiers: MedGen C5830501, MONDO:0957265, OMIM 620369.
Hypokalemic periodic paralysis, type 2 (HOKPP2). Identifiers: Orphanet 681, MedGen C2750061, MONDO:0013234, OMIM 613345.
Potassium-aggravated myotonia. Also called: Myotonia congenita, atypical, acetazolamide-responsive; MYOTONIA CONGENITA, ACETAZOLAMIDE-RESPONSIVE; MYOTONIA CONGENITA, ATYPICAL; SODIUM CHANNEL MUSCLE DISEASE. Identifiers: Orphanet 612, Orphanet 99734, Orphanet 99735, Orphanet 99736, MedGen C2931826, MONDO:0018959, OMIM 608390.
Inborn genetic diseases. Identifiers: MedGen C0950123, MeSH D030342.

Allele frequency attached by ClinVar (database versions not stated): 1000 Genomes Project 30x 0.00016; gnomAD 0.00004 and 0.00005; gnomAD exomes 0.00005 and 0.00007; TOPMed 0.00007; ExAC 0.00014.
gnomAD v4.1: 71 of 1,557,192 alleles (0.0046%); highest among the groups gnomAD compares: South Asian, 0.032%; 1 homozygote.

Submissions (6):

Labcorp Genetics (formerly Invitae), Labcorp
Classification: Uncertain significance for Hyperkalemic periodic paralysis. Last evaluated: 2025-11-18. Review status: criteria provided, single submitter. Criteria: Invitae Variant Classification Sherloc (09022015). Collection method: clinical testing. Allele origin: germline.
Comment: This sequence change replaces alanine, which is neutral and non-polar, with threonine, which is neutral and polar, at codon 807 of the SCN4A protein (p.Ala807Thr). This variant is present in population databases (rs770694096, gnomAD 0.03%). This missense change has been observed in individual(s) with clinical features of SCN4A-related conditions (PMID: 38374194). ClinVar contains an entry for this variant (Variation ID: 572594). Invitae Evidence Modeling of protein sequence and biophysical properties (such as structural, functional, and spatial information, amino acid conservation, physicochemical variation, residue mobility, and thermodynamic stability) indicates that this missense variant is not expected to disrupt SCN4A protein function with a negative predictive value of 95%. In summary, the available evidence is currently insufficient to determine the role of this variant in disease. Therefore, it has been classified as a Variant of Uncertain Significance.

Fulgent Genetics
Classification: Uncertain significance for Paramyotonia congenita of Von Eulenburg; Hyperkalemic periodic paralysis; Potassium-aggravated myotonia; Hypokalemic periodic paralysis, type 2; Congenital myasthenic syndrome 16; Congenital myopathy 22A, classic; Congenital myopathy 22B, severe fetal. Last evaluated: 2024-06-03. Review status: criteria provided, single submitter. Criteria: ACMG Guidelines, 2015. Collection method: clinical testing. Allele origin: germline.

Ambry Genetics
Classification: Uncertain significance for Inborn genetic diseases. Last evaluated: 2023-05-09. Review status: criteria provided, single submitter. Criteria: Ambry Variant Classification Scheme 2023. Collection method: clinical testing. Allele origin: germline.

Revvity Omics, Revvity
Classification: Uncertain significance. Last evaluated: 2020-05-20. Review status: criteria provided, single submitter. Criteria: ACMG Guidelines, 2015. Collection method: clinical testing. Allele origin: germline.

Kariminejad - Najmabadi Pathology & Genetics Center
Classification: Uncertain significance for Hyperkalemic periodic paralysis; Hypokalemic periodic paralysis, type 2; Congenital myasthenic syndrome 16; Potassium-aggravated myotonia; Paramyotonia congenita of Von Eulenburg. Last evaluated: 2020-03-11. Review status: criteria provided, single submitter. Criteria: ACMG Guidelines, 2015. Collection method: clinical testing. Allele origin: germline. Inheritance: Autosomal dominant inheritance. Affected: yes.
Comment: PM2, PP2, PP3

Athena Diagnostics
Classification: Likely benign. Last evaluated: 2019-04-12. Review status: criteria provided, single submitter. Criteria: Athena Diagnostics Criteria. Collection method: clinical testing. Allele origin: germline.

Literature cited by the submitters: PubMed 38374194 (cited by Labcorp Genetics (formerly Invitae), Labcorp).

NM_000334.4(SCN4A):c.2419G>A (p.Ala807Thr)

Genes: GH-LCR (growth hormone locus control region; plus strand), SCN4A (sodium voltage-gated channel alpha subunit 4; minus strand). Cytogenetic location: 17q23.3.
Variant type: single nucleotide variant.
Coding change: c.2419G>A on transcript NM_000334.4 (MANE Select); coding-DNA position 2419, G replaced by A.
Protein change: p.Ala807Thr; replaces alanine 807 with threonine.
Molecular consequence: missense variant.
Genome position (GRCh38, 1-based): chr17:63,951,858, C>T on the plus strand (G>A on the coding strand, the complement: SCN4A is on the minus strand). VCF-style: chr17-63951858-C-T. GRCh37 (hg19) VCF-style: chr17-62029218-C-T.
Other names: short protein forms A807T.
Identifiers: ClinVar variation 572594 (VCV000572594.17), dbSNP rs770694096, ClinGen allele CA8709586.